The following is an entry in ClinVar:

ClinVar aggregate classification (germline): Benign/Likely benign. Review status: criteria provided, multiple submitters, no conflicts (2 of 4 stars). 5 submissions from 4 submitters: Benign (1); Likely benign (4). Last evaluated 2025-12-01.

Conditions:
Holoprosencephaly sequence (HPE). Also called: Holoprosencephaly. Identifiers: Orphanet 2162, MedGen C0079541, MONDO:0016296, HP:0001360.
Heterotaxy, visceral, 5, autosomal (HTX5). Also called: Heterotaxy, visceral, 5. Identifiers: Orphanet 450, MedGen C3495537, MONDO:0700112, OMIM 270100.

Allele frequency attached by ClinVar (database versions not stated): gnomAD exomes 0.00008 and 0.00043; gnomAD 0.00015 and 0.00025; TOPMed 0.00016; ExAC 0.00041; 1000 Genomes Project 30x 0.00234; 1000 Genomes Project 0.00260.
gnomAD v4.1: 173 of 1,614,076 alleles (0.011%); highest among the groups gnomAD compares: East Asian, 0.32%; 2 homozygotes.

Submissions (5):

CeGaT Center for Human Genetics Tuebingen
Classification: Likely benign. Last evaluated: 2025-12-01. Review status: criteria provided, single submitter. Criteria: CeGaT Center For Human Genetics Tuebingen Variant Classification Criteria Version 2. Collection method: clinical testing. Allele origin: germline. Affected: yes. Observed: 1 variant allele.
Comment: NODAL: BP4, BS2

Labcorp Genetics (formerly Invitae), Labcorp
Classification: Benign for Heterotaxy, visceral, 5, autosomal. Last evaluated: 2025-11-09. Review status: criteria provided, single submitter. Criteria: Invitae Variant Classification Sherloc (09022015). Collection method: clinical testing. Allele origin: germline.

Illumina Laboratory Services, Illumina
Classification: Likely benign for Heterotaxy, visceral, 5, autosomal. Last evaluated: 2017-04-28. Review status: criteria provided, single submitter. Criteria: ICSL Variant Classification Criteria 13 December 2019. Collection method: clinical testing. Allele origin: germline.
Comment: This variant was observed as part of a predisposition screen in an ostensibly healthy population. A literature search was performed for the gene, cDNA change, and amino acid change (where applicable). Publications were found based on this search. The evidence from the literature, in combination with allele frequency data from public databases where available, was sufficient to determine this variant is unlikely to cause disease. Therefore, this variant is classified as likely benign.

Illumina Laboratory Services, Illumina
Classification: Likely benign for Holoprosencephaly sequence. Last evaluated: 2017-04-28. Review status: criteria provided, single submitter. Criteria: ICSL Variant Classification Criteria 13 December 2019. Collection method: clinical testing. Allele origin: germline.
Comment: the same text as in the submission from Illumina Laboratory Services, Illumina above.

PreventionGenetics, part of Exact Sciences
Classification: Likely benign. Review status: criteria provided, single submitter. Criteria: ACMG Guidelines, 2015. Collection method: clinical testing. Allele origin: germline.

Literature cited by the submitters: PubMed 19064609 (cited by Illumina Laboratory Services, Illumina); PubMed 19553149 (cited by Illumina Laboratory Services, Illumina); PubMed 22352765 (cited by Illumina Laboratory Services, Illumina).

NM_018055.5(NODAL):c.607G>A (p.Glu203Lys)

Gene: NODAL (nodal growth differentiation factor; minus strand). Cytogenetic location: 10q22.1.
Variant type: single nucleotide variant.
Coding change: c.607G>A on transcript NM_018055.5 (MANE Select); coding-DNA position 607, G replaced by A.
Protein change: p.Glu203Lys; replaces glutamic acid 203 with lysine.
Molecular consequence: missense variant.
Genome position (GRCh38, 1-based): chr10:70,435,570, C>T on the plus strand (G>A on the coding strand, the complement: NODAL is on the minus strand). VCF-style: chr10-70435570-C-T. GRCh37 (hg19) VCF-style: chr10-72195326-C-T.
Other names: c.208G>A, p.Glu70Lys (NM_001329906.2); short protein forms E203K, E70K.
Identifiers: ClinVar variation 260992 (VCV000260992.21), dbSNP rs10999334, ClinGen allele CA5537563.